The following is an entry in ClinVar:

NM_000747.3(CHRNB1):c.241C>G (p.Leu81Val)

Gene: CHRNB1 (cholinergic receptor nicotinic beta 1 subunit; plus strand). Cytogenetic location: 17p13.1.
Variant type: single nucleotide variant.
Coding change: c.241C>G on transcript NM_000747.3 (MANE Select); coding-DNA position 241, C replaced by G.
Protein change: p.Leu81Val; replaces leucine 81 with valine.
Molecular consequence: missense variant.
Genome position (GRCh38, 1-based): chr17:7,446,111, C>G. VCF-style: chr17-7446111-C-G. GRCh37 (hg19) VCF-style: chr17-7349430-C-G.
Other names: short protein forms L81V.
Identifiers: ClinVar variation 2724949 (VCV002724949.3), dbSNP rs1388032885, ClinGen allele CA397788266.

ClinVar aggregate classification (germline): Uncertain significance (1 of 4 stars; one submission).

Conditions:
Congenital myasthenic syndrome 2A. Also called: Myasthenic syndrome, congenital, 2a, slow-channel. Identifiers: Orphanet 590, MedGen C4225374, MONDO:0014581, OMIM 616313.

Allele frequency attached by ClinVar (database versions not stated): gnomAD exomes 0.00001.
gnomAD v4.1: 13 of 1,613,832 alleles (0.00081%); highest among the groups gnomAD compares: East Asian, 0.0067%; no homozygotes.

Submission:

Labcorp Genetics (formerly Invitae), Labcorp
Classification: Uncertain significance for Congenital myasthenic syndrome 2A. Last evaluated: 2022-12-24. Review status: criteria provided, single submitter. Criteria: Invitae Variant Classification Sherloc (09022015). Collection method: clinical testing. Allele origin: germline.
Comment: In summary, the available evidence is currently insufficient to determine the role of this variant in disease. Therefore, it has been classified as a Variant of Uncertain Significance. Algorithms developed to predict the effect of missense changes on protein structure and function are either unavailable or do not agree on the potential impact of this missense change (SIFT: "Tolerated"; PolyPhen-2: "Probably Damaging"; Align-GVGD: "Class C0"). This variant has not been reported in the literature in individuals affected with CHRNB1-related conditions. This variant is present in population databases (no rsID available, gnomAD 0.01%). This sequence change replaces leucine, which is neutral and non-polar, with valine, which is neutral and non-polar, at codon 81 of the CHRNB1 protein (p.Leu81Val).